The following is an entry in ClinVar:

NM_001267550.2(TTN):c.79519_79520delinsAA (p.Ala26507Asn)

Genes: TTN (titin; minus strand), TTN-AS1 (TTN antisense RNA 1; plus strand). Cytogenetic location: 2q31.2.
Variant type: Indel.
Coding change: c.79519_79520delinsAA on transcript NM_001267550.2 (MANE Select); coding-DNA positions 79519 to 79520, GC replaced by AA.
Protein change: p.Ala26507Asn; replaces alanine 26507 with asparagine.
Molecular consequence: missense variant.
Genome position (GRCh38, 1-based): chr2:178,566,612-178,566,613, GC replaced by TT on the plus strand (GC replaced by AA on the coding strand, the reverse complement: TTN is on the minus strand). VCF-style: chr2-178566612-GC-TT. GRCh37 (hg19) VCF-style: chr2-179431339-GC-TT.
Other names: p.Ala23939Asn; c.74596_74597delinsAA, p.Ala24866Asn (NM_001256850.1); c.52324_52325delinsAA, p.Ala17442Asn (NM_003319.4); c.71815_71816delinsAA, p.Ala23939Asn (NM_133378.4); c.52699_52700delinsAA, p.Ala17567Asn (NM_133432.3); c.52900_52901delinsAA, p.Ala17634Asn (NM_133437.4); c.52324_52325delGCinsAA (NM_003319.4); short protein forms A23939N, A17442N, A24866N, A17567N, A17634N, A26507N.
Identifiers: ClinVar variation 288807 (VCV000288807.11), dbSNP rs886044012, ClinGen allele CA10606229.

ClinVar aggregate classification (germline): Conflicting classifications of pathogenicity. Review status: criteria provided, conflicting classifications (1 of 4 stars). 5 submissions from 5 submitters: Uncertain significance (3); Likely benign (2). Last evaluated 2025-05-01.

Conditions:
Cardiovascular phenotype. Identifiers: MedGen CN230736.

Submissions (5):

Revvity Omics, Revvity
Classification: Uncertain significance. Last evaluated: 2025-05-01. Review status: criteria provided, single submitter. Criteria: ACMG Guidelines, 2015. Collection method: clinical testing. Allele origin: germline.

Women's Health and Genetics/Laboratory Corporation of America, LabCorp
Classification: Likely benign. Last evaluated: 2025-03-07. Review status: criteria provided, single submitter. Criteria: LabCorp Variant Classification Summary - May 2015. Collection method: clinical testing. Allele origin: germline.
Comment: Variant summary: TTN c.71815_71816delinsAA (p.Ala23939Asn) results in a non-conservative amino acid change located in the A-band region of the encoded protein sequence. Two of three in-silico tools predict a damaging effect of the variant on protein function. This multi-nucleotide (MNV) variant consists of two neighboring single nucleotide variant (SNVs) and these variants were found with about the same allele frequency, i.e. 8e-05 in 150814 control chromosomes, predominantly at a frequency of 0.00079 within the Latino subpopulation in the gnomAD database (v3.1 dataset). The observed variant frequency within Latino control individuals in the gnomAD database is approximately 2-fold of the estimated maximal expected allele frequency for a pathogenic variant in TTN causing Dilated Cardiomyopathy phenotype (0.00039). To our knowledge, no occurrence of c.71815_71816delinsAA in individuals affected with Dilated Cardiomyopathy and no experimental evidence demonstrating its impact on protein function have been reported. ClinVar contains an entry for this variant (Variation ID: 288807). Based on the evidence outlined above, the variant was classified as likely benign.

Mayo Clinic Laboratories, Mayo Clinic
Classification: Uncertain significance. Last evaluated: 2023-12-21. Review status: criteria provided, single submitter. Criteria: ACMG Guidelines, 2015. Collection method: clinical testing. Allele origin: germline. Observed: 1 variant allele.
Comment: PM2_moderate

Ambry Genetics
Classification: Likely benign for Cardiovascular phenotype. Last evaluated: 2022-06-13. Review status: criteria provided, single submitter. Criteria: Ambry Variant Classification Scheme 2023. Collection method: clinical testing. Allele origin: germline.

Eurofins Ntd Llc (ga)
Classification: Uncertain significance. Last evaluated: 2016-06-14. Review status: criteria provided, single submitter. Criteria: EGL Classification Definitions 2015. Collection method: clinical testing. Allele origin: germline. Observed: 1 variant allele, 1 heterozygote.